The following is an entry in ClinVar:

NM_003334.4(UBA1):c.3099G>A (p.Ala1033=)

Gene: UBA1 (ubiquitin like modifier activating enzyme 1; plus strand). Cytogenetic location: Xp11.3.
Variant type: single nucleotide variant.
Coding change: c.3099G>A on transcript NM_003334.4 (MANE Select); coding-DNA position 3099, G replaced by A.
Protein change: p.Ala1033=; no amino-acid change (alanine 1033 retained).
Molecular consequence: synonymous variant.
Genome position (GRCh38, 1-based): chrX:47,214,851, G>A. VCF-style: chrX-47214851-G-A. GRCh37 (hg19) VCF-style: chrX-47074250-G-A.
Other names: c.3099G>A, p.Ala1033= (NM_153280.3).
Identifiers: ClinVar variation 2660411 (VCV002660411.24), dbSNP rs370679384, ClinGen allele CA10396271.

ClinVar aggregate classification (germline): Likely benign (1 of 4 stars; one submission).

Allele frequency attached by ClinVar (database versions not stated): ExAC 0.00002; TOPMed 0.00002; ESP Exome Variant Server 0.00009; gnomAD exomes below 0.00001.
gnomAD v4.1: 3 of 1,211,918 alleles (0.00025%); highest among the groups gnomAD compares: East Asian, 0.003%; no homozygotes.

Submission:

CeGaT Center for Human Genetics Tuebingen
Classification: Likely benign. Last evaluated: 2022-03-01. Review status: criteria provided, single submitter. Criteria: CeGaT Center For Human Genetics Tuebingen Variant Classification Criteria Version 2. Collection method: clinical testing. Allele origin: germline. Affected: yes. Observed: 1 variant allele.
Comment: UBA1: BP4, BP7